The following is an entry in ClinVar:

NM_005338.7(HIP1):c.120+9G>A

Genes: HIP1 (huntingtin interacting protein 1; minus strand), LOC129998676 (ATAC-STARR-seq lymphoblastoid silent region 18299; plus strand). Cytogenetic location: 7q11.23.
Variant type: single nucleotide variant.
Coding change: c.120+9G>A on transcript NM_005338.7 (MANE Select); 9 bases into the intron after coding-DNA position 120, G replaced by A.
Molecular consequence: intron variant.
Genome position (GRCh38, 1-based): chr7:75,738,792, C>T on the plus strand (G>A on the coding strand, the complement: HIP1 is on the minus strand). VCF-style: chr7-75738792-C-T. GRCh37 (hg19) VCF-style: chr7-75368110-C-T.
Other names: c.120+9G>A (NM_001243198.3).
Identifiers: ClinVar variation 3059341 (VCV003059341.2), dbSNP rs111778729, ClinGen allele CA4302763.
Genomic context (GRCh38, chr7:75,738,792, plus strand): 5'-TCAAAGCCCCTCCCGGACACCGCGTCCCTCAGGGTGCCCCAGGGATGCCCCGGGGTCCCC[C>T]GTCCTCACCTGAGTCCGCTCGAAGCTCTCGCGCTCCGCCGCCTCCAGCCCAGCGCCGACC-3'

ClinVar aggregate classification (germline): Benign (0 of 4 stars; one submission).

Conditions:
HIP1-related disorder. Also called: HIP1-related condition.

Allele frequency attached by ClinVar (database versions not stated): 1000 Genomes Project 0.02596; 1000 Genomes Project 30x 0.02608; ESP Exome Variant Server 0.04084; TOPMed 0.04322; gnomAD 0.04432; gnomAD exomes 0.05347; ExAC 0.06528.
gnomAD v4.1: 83,826 of 1,600,126 alleles (5.2%); highest among the groups gnomAD compares: Middle Eastern, 8.9%; 2,495 homozygotes.

Submission:

PreventionGenetics, part of Exact Sciences
Classification: Benign for HIP1-related condition. Last evaluated: 2019-02-24. Review status: no assertion criteria provided. Collection method: clinical testing. Allele origin: germline.
Comment: This variant is classified as benign based on ACMG/AMP sequence variant interpretation guidelines (Richards et al. 2015 PMID: 25741868, with internal and published modifications).